The following is an entry in ClinVar:

NM_152703.5(SAMD9L):c.624_632del (p.Thr209_Val211del)

Gene: SAMD9L (sterile alpha motif domain containing 9 like; minus strand). Cytogenetic location: 7q21.2.
Variant type: Deletion.
Coding change: c.624_632del on transcript NM_152703.5 (MANE Select); coding-DNA positions 624 to 632, 9 bases deleted (CACGGAAGT; older notation c.624_632delCACGGAAGT).
Protein change: p.Thr209_Val211del.
Molecular consequence: inframe deletion.
Genome position (GRCh38, 1-based): chr7:93,135,340-93,135,348, ACTTCCGTG deleted on the plus strand (CACGGAAGT on the coding strand, the reverse complement: SAMD9L is on the minus strand). VCF-style (leftmost placement, unchanged base first): chr7-93135339-CACTTCCGTG-C. GRCh37 (hg19) VCF-style: chr7-92764652-CACTTCCGTG-C.
Other names: c.624_632del, p.Thr209_Val211del (NM_001303496.3, NM_001303497.3, NM_001303498.3 and 5 more transcripts).
Identifiers: ClinVar variation 2803290 (VCV002803290.3), dbSNP rs2535436039, ClinGen allele CA2739279246.

ClinVar aggregate classification (germline): Uncertain significance (1 of 4 stars; one submission).

Submission:

Labcorp Genetics (formerly Invitae), Labcorp
Classification: Uncertain significance. Last evaluated: 2024-01-09. Review status: criteria provided, single submitter. Criteria: Invitae Variant Classification Sherloc (09022015). Collection method: clinical testing. Allele origin: germline.
Comment: This variant, c.624_632del, results in the deletion of 3 amino acid(s) of the SAMD9L protein (p.Thr209_Val211del), but otherwise preserves the integrity of the reading frame. This variant is not present in population databases (gnomAD no frequency). This variant has not been reported in the literature in individuals affected with SAMD9L-related conditions. Experimental studies and prediction algorithms are not available or were not evaluated, and the functional significance of this variant is currently unknown. In summary, the available evidence is currently insufficient to determine the role of this variant in disease. Therefore, it has been classified as a Variant of Uncertain Significance.